The following is an entry in ClinVar:

ClinVar aggregate classification (germline): Uncertain significance (1 of 4 stars; one submission).

Conditions:
Short-rib thoracic dysplasia 10 with or without polydactyly (SRTD10). Identifiers: Orphanet 474, MedGen C3810175, MONDO:0014284, OMIM 615630.
Retinitis pigmentosa 71 (RP71). Identifiers: Orphanet 791, MedGen C4225342, MONDO:0014618, OMIM 616394.

gnomAD v4.1: 2 of 1,613,482 alleles (0.00012%); highest among the groups gnomAD compares: Non-Finnish European, 0.00017%; no homozygotes.

Submission:

Labcorp Genetics (formerly Invitae), Labcorp
Classification: Uncertain significance for Retinitis pigmentosa 71; Short-rib thoracic dysplasia 10 with or without polydactyly. Last evaluated: 2021-11-07. Review status: criteria provided, single submitter. Criteria: Invitae Variant Classification Sherloc (09022015). Collection method: clinical testing. Allele origin: germline.
Comment: This variant is not present in population databases (gnomAD no frequency). This variant has not been reported in the literature in individuals affected with IFT172-related conditions. Algorithms developed to predict the effect of missense changes on protein structure and function are either unavailable or do not agree on the potential impact of this missense change (SIFT: "Deleterious"; PolyPhen-2: "Benign"; Align-GVGD: "Class C0"). In summary, the available evidence is currently insufficient to determine the role of this variant in disease. Therefore, it has been classified as a Variant of Uncertain Significance. This sequence change replaces alanine, which is neutral and non-polar, with glycine, which is neutral and non-polar, at codon 1672 of the IFT172 protein (p.Ala1672Gly).

NM_015662.3(IFT172):c.5015C>G (p.Ala1672Gly)

Genes: IFT172 (intraflagellar transport 172; minus strand), KRTCAP3 (keratinocyte associated protein 3; plus strand). Cytogenetic location: 2p23.3.
Variant type: single nucleotide variant.
Coding change: c.5015C>G on transcript NM_015662.3 (MANE Select); coding-DNA position 5015, C replaced by G.
Protein change: p.Ala1672Gly; replaces alanine 1672 with glycine.
Molecular consequence: missense variant. On other transcripts: intron variant (1).
Genome position (GRCh38, 1-based): chr2:27,445,349, G>C on the plus strand (C>G on the coding strand, the complement: IFT172 is on the minus strand). VCF-style: chr2-27445349-G-C. GRCh37 (hg19) VCF-style: chr2-27668216-G-C.
Other names: c.4949C>G, p.Ala1650Gly (NM_001410739.1); c.*6-952G>C (NM_001168364.2); short protein forms A1672G, A1650G.
Identifiers: ClinVar variation 1392004 (VCV001392004.7), dbSNP rs2148465580, ClinGen allele CA346413639.